The following is an entry in ClinVar:

NM_001001657.1(OR2Y1):c.891G>A (p.Lys297=)

Gene: OR2Y1 (olfactory receptor family 2 subfamily Y member 1; minus strand). Cytogenetic location: 5q35.3.
Variant type: single nucleotide variant.
Coding change: c.891G>A on transcript NM_001001657.1 (MANE Select); coding-DNA position 891, G replaced by A.
Protein change: p.Lys297=; no amino-acid change (lysine 297 retained).
Molecular consequence: synonymous variant.
Genome position (GRCh38, 1-based): chr5:180,739,168, C>T on the plus strand (G>A on the coding strand, the complement: OR2Y1 is on the minus strand). VCF-style: chr5-180739168-C-T. GRCh37 (hg19) VCF-style: chr5-180166168-C-T.
Identifiers: ClinVar variation 3906074 (VCV003906074.10).

ClinVar aggregate classification (germline): Likely benign (1 of 4 stars; one submission).

Submission:

CeGaT Center for Human Genetics Tuebingen
Classification: Likely benign. Last evaluated: 2025-06-01. Review status: criteria provided, single submitter. Criteria: CeGaT Center For Human Genetics Tuebingen Variant Classification Criteria Version 2. Collection method: clinical testing. Allele origin: germline. Affected: yes. Observed: 1 variant allele.
Comment: OR2Y1: PM2:Supporting, BP4, BP7